The following is an entry in ClinVar:

NM_006164.5(NFE2L2):c.1007C>G (p.Thr336Arg)

Gene: NFE2L2 (NFE2 like bZIP transcription factor 2; minus strand). Cytogenetic location: 2q31.2.
Variant type: single nucleotide variant.
Coding change: c.1007C>G on transcript NM_006164.5 (MANE Select); coding-DNA position 1007, C replaced by G.
Protein change: p.Thr336Arg; replaces threonine 336 with arginine.
Molecular consequence: missense variant.
Genome position (GRCh38, 1-based): chr2:177,231,596, G>C on the plus strand (C>G on the coding strand, the complement: NFE2L2 is on the minus strand). VCF-style: chr2-177231596-G-C. GRCh37 (hg19) VCF-style: chr2-178096324-G-C.
Other names: c.1007C>G (NM_006164.3); c.959C>G, p.Thr320Arg (NM_001145412.3, NM_001313900.1, NM_001313901.1); c.938C>G, p.Thr313Arg (NM_001145413.3); c.917C>G, p.Thr306Arg (NM_001313902.2); c.788C>G, p.Thr263Arg (NM_001313903.2); c.707C>G, p.Thr236Arg (NM_001313904.1); short protein forms T236R, T306R, T320R, T313R, T336R, T263R.
Identifiers: ClinVar variation 1986844 (VCV001986844.5), dbSNP rs1373655177, ClinGen allele CA349372620.

ClinVar aggregate classification (germline): Uncertain significance. Review status: criteria provided, multiple submitters, no conflicts (2 of 4 stars). 2 submissions from 2 submitters: Uncertain significance (2). Last evaluated 2025-12-11.

Allele frequency attached by ClinVar (database versions not stated): gnomAD 0.00001; TOPMed 0.00001.

Submissions (2):

Ambry Genetics
Classification: Uncertain significance. Last evaluated: 2025-12-11. Review status: criteria provided, single submitter. Criteria: Ambry Variant Classification Scheme 2023. Collection method: clinical testing. Allele origin: germline.

Labcorp Genetics (formerly Invitae), Labcorp
Classification: Uncertain significance. Last evaluated: 2022-04-13. Review status: criteria provided, single submitter. Criteria: Invitae Variant Classification Sherloc (09022015). Collection method: clinical testing. Allele origin: germline.
Comment: In summary, the available evidence is currently insufficient to determine the role of this variant in disease. Therefore, it has been classified as a Variant of Uncertain Significance. Algorithms developed to predict the effect of missense changes on protein structure and function (SIFT, PolyPhen-2, Align-GVGD) all suggest that this variant is likely to be tolerated. This variant has not been reported in the literature in individuals affected with NFE2L2-related conditions. This variant is present in population databases (no rsID available, gnomAD 0.002%). This sequence change replaces threonine, which is neutral and polar, with arginine, which is basic and polar, at codon 336 of the NFE2L2 protein (p.Thr336Arg).